The following is an entry in ClinVar:

NC_000016.9:g.(?_88880847)_(88893266_?)del

Gene: GALNS (galactosamine (N-acetyl)-6-sulfatase; minus strand). Cytogenetic location: 16q24.3.
Variant type: Deletion.
Identifiers: ClinVar variation 3243317 (VCV003243317.1).

ClinVar aggregate classification (germline): Pathogenic (1 of 4 stars; one submission).

Conditions:
Mucopolysaccharidosis, MPS-IV-A (MPS4A). Also called: Morquio syndrome A, mild; MORQUIO SYNDROME A; GALACTOSAMINE-6-SULFATASE DEFICIENCY; GALNS DEFICIENCY; MORQUIO A DISEASE; Mucopolysaccharidosis type IV A. Identifiers: Orphanet 309297, Orphanet 582, MedGen C0086651, MONDO:0009659, OMIM 253000.

Submission:

Labcorp Genetics (formerly Invitae), Labcorp
Classification: Pathogenic for Mucopolysaccharidosis, MPS-IV-A. Last evaluated: 2023-09-08. Review status: criteria provided, single submitter. Criteria: Invitae Variant Classification Sherloc (09022015). Collection method: clinical testing. Allele origin: unknown.
Comment: This variant is a gross deletion of the genomic region encompassing exon(s) 10-14 of the GALNS gene, which includes the termination codon. This deletion extends beyond the assayed region for this gene and therefore may encompass additional genes. While this deletion is not anticipated to lead to nonsense mediated decay, it is expected to alter mRNA translation or result in a truncated protein product. A similar copy number variant has been observed in individual(s) with Morquio A syndrome (PMID: 25545067). In at least one individual the data is consistent with being in trans (on the opposite chromosome) from a pathogenic variant. This variant is also known as g.chr16:88845645_88894051del48496. For these reasons, this variant has been classified as Pathogenic.

Literature cited by the submitters: PubMed 25545067.